The following is an entry in ClinVar:

NM_001197104.2(KMT2A):c.8992A>T (p.Ile2998Phe)

Gene: KMT2A (lysine methyltransferase 2A; plus strand). Cytogenetic location: 11q23.3.
Variant type: single nucleotide variant.
Coding change: c.8992A>T on transcript NM_001197104.2 (MANE Select); coding-DNA position 8992, A replaced by T.
Protein change: p.Ile2998Phe; replaces isoleucine 2998 with phenylalanine.
Molecular consequence: missense variant.
Genome position (GRCh38, 1-based): chr11:118,504,884, A>T. VCF-style: chr11-118504884-A-T. GRCh37 (hg19) VCF-style: chr11-118375599-A-T.
Other names: c.9082A>T, p.Ile3028Phe (NM_001412597.1); c.8983A>T, p.Ile2995Phe (NM_005933.4); short protein forms I2995F, I2998F, I3028F.
Identifiers: ClinVar variation 2664752 (VCV002664752.3), dbSNP rs1555047466, ClinGen allele CA382817582.

ClinVar aggregate classification (germline): Conflicting classifications of pathogenicity. Review status: criteria provided, conflicting classifications (1 of 4 stars). 2 submissions from 2 submitters: Likely pathogenic (1); Uncertain significance (1). Last evaluated 2025-03-23.

Conditions:
Wiedemann-Steiner syndrome (WDSTS). Also called: Growth deficiency and mental retardation with facial dysmorphism. Identifiers: Orphanet 319182, MedGen C1854630, MONDO:0011518, OMIM 605130.

gnomAD v4.1: 1 of 1,614,196 alleles (0.000062%); highest among the groups gnomAD compares: Non-Finnish European, 0.000085%; no homozygotes.

Submissions (2):

Labcorp Genetics (formerly Invitae), Labcorp
Classification: Uncertain significance. Last evaluated: 2025-03-23. Review status: criteria provided, single submitter. Criteria: Invitae Variant Classification Sherloc (09022015). Collection method: clinical testing. Allele origin: germline.
Comment: This sequence change replaces isoleucine, which is neutral and non-polar, with phenylalanine, which is neutral and non-polar, at codon 2998 of the KMT2A protein (p.Ile2998Phe). This variant is not present in population databases (gnomAD no frequency). This variant has not been reported in the literature in individuals affected with KMT2A-related conditions. ClinVar contains an entry for this variant (Variation ID: 2664752). Invitae Evidence Modeling of protein sequence and biophysical properties (such as structural, functional, and spatial information, amino acid conservation, physicochemical variation, residue mobility, and thermodynamic stability) indicates that this missense variant is not expected to disrupt KMT2A protein function with a negative predictive value of 95%. In summary, the available evidence is currently insufficient to determine the role of this variant in disease. Therefore, it has been classified as a Variant of Uncertain Significance.

Genetics and Molecular Pathology, SA Pathology
Classification: Likely pathogenic for Wiedemann-Steiner syndrome. Last evaluated: 2023-05-18. Review status: criteria provided, single submitter. Criteria: ACMG Guidelines, 2015. Collection method: clinical testing. Allele origin: germline. Affected: yes.